The following is an entry in ClinVar:

NM_139321.3(ATRN):c.4037G>C (p.Gly1346Ala)

Gene: ATRN (attractin; plus strand). Cytogenetic location: 20p13.
Variant type: single nucleotide variant.
Coding change: c.4037G>C on transcript NM_139321.3 (MANE Select); coding-DNA position 4037, G replaced by C.
Protein change: p.Gly1346Ala; replaces glycine 1346 with alanine.
Molecular consequence: missense variant.
Genome position (GRCh38, 1-based): chr20:3,638,922, G>C. VCF-style: chr20-3638922-G-C. GRCh37 (hg19) VCF-style: chr20-3619569-G-C.
Other names: c.4037G>C (NM_139321.2); short protein forms G1346A.
Identifiers: ClinVar variation 3679538 (VCV003679538.3).

ClinVar aggregate classification (germline): Uncertain significance. Review status: criteria provided, multiple submitters, no conflicts (2 of 4 stars). 2 submissions from 2 submitters: Uncertain significance (2). Last evaluated 2026-07-13.

gnomAD v4.1: 15 of 1,613,896 alleles (0.00093%); highest among the groups gnomAD compares: Non-Finnish European, 0.0013%; no homozygotes.

Submissions (2):

Ambry Genetics
Classification: Uncertain significance. Last evaluated: 2026-07-13. Review status: criteria provided, single submitter. Criteria: Ambry Variant Classification Scheme 2023. Collection method: clinical testing. Allele origin: germline.
Comment: The c.4037G>C (p.G1346A) alteration is located in exon 27 (coding exon 27) of the ATRN gene. This alteration results from a G to C substitution at nucleotide position 4037, causing the glycine (G) at amino acid position 1346 to be replaced by an alanine (A). Based on data from gnomAD, the C allele has an overall frequency of <0.001% (1/251024) total alleles studied. The highest observed frequency was 0.001% (1/113482) of European (non-Finnish) alleles. Based on insufficient or conflicting evidence, the clinical significance of this alteration remains unclear.

Labcorp Genetics (formerly Invitae), Labcorp
Classification: Uncertain significance. Last evaluated: 2024-11-27. Review status: criteria provided, single submitter. Criteria: Invitae Variant Classification Sherloc (09022015). Collection method: clinical testing. Allele origin: germline.
Comment: This sequence change replaces glycine, which is neutral and non-polar, with alanine, which is neutral and non-polar, at codon 1346 of the ATRN protein (p.Gly1346Ala). This variant is present in population databases (rs748218876, gnomAD 0.0009%). This variant has not been reported in the literature in individuals affected with ATRN-related conditions. An algorithm developed to predict the effect of missense changes on protein structure and function (PolyPhen-2) suggests that this variant is likely to be tolerated. In summary, the available evidence is currently insufficient to determine the role of this variant in disease. Therefore, it has been classified as a Variant of Uncertain Significance.